The following is an entry in ClinVar:

ClinVar aggregate classification (germline): Uncertain significance. Review status: criteria provided, multiple submitters, no conflicts (2 of 4 stars). 3 submissions from 3 submitters: Uncertain significance (3). Last evaluated 2023-06-22.

Conditions:
Hypertrophic cardiomyopathy 1 (CMH1). Also called: Familial hypertrophic cardiomyopathy 1; MYH7-Related Familial Hypertrophic Cardiomyopathy. Identifiers: MedGen C3495498, MONDO:0008647, OMIM 192600.
Dilated cardiomyopathy 1KK (CMD1KK). Identifiers: Orphanet 154, Orphanet 75249, MedGen C3714995, MONDO:0014100, OMIM 615248.

Allele frequency attached by ClinVar (database versions not stated): gnomAD 0.00001; gnomAD exomes 0.00006 and 0.00012; ExAC 0.00010.

Submissions (3):

Neuberg Centre For Genomic Medicine, NCGM
Classification: Uncertain significance for Dilated cardiomyopathy 1KK. Last evaluated: 2023-06-22. Review status: criteria provided, single submitter. Criteria: ACMG Guidelines, 2015. Collection method: clinical testing. Allele origin: germline. Inheritance: Autosomal dominant inheritance. Affected: yes.
Comment: The observed missense c.910G>A(p.Glu304Lys) variant in MYLK2 gene has not been reported previously as a pathogenic variant nor a benign variant, to our knowledge. The p.Glu304Lys variant has been reported with allele frequency of 0.01% in gnomAD Exomes. This variant has been submitted to the ClinVar database as Uncertain Significance. Multiple lines of computational evidences (Polyphen - Probably damaging, SIFT - Damaging and MutationTaster - Disease causing) predict a damaging effect on protein structure and function for this variant. The reference amino acid change at this position on MYLK2 gene is predicted as conserved by GERP++ and PhyloP across 100 vertebrates. The amino acid Glu at position 304 is changed to a Lys changing protein sequence and it might alter its composition and physico-chemical properties. For these reasons, this variant has been classified as a Variant of Uncertain Significance (VUS).

Labcorp Genetics (formerly Invitae), Labcorp
Classification: Uncertain significance for Hypertrophic cardiomyopathy 1. Last evaluated: 2023-06-05. Review status: criteria provided, single submitter. Criteria: Invitae Variant Classification Sherloc (09022015). Collection method: clinical testing. Allele origin: germline.
Comment: In summary, the available evidence is currently insufficient to determine the role of this variant in disease. Therefore, it has been classified as a Variant of Uncertain Significance. Advanced modeling of protein sequence and biophysical properties (such as structural, functional, and spatial information, amino acid conservation, physicochemical variation, residue mobility, and thermodynamic stability) has been performed at Invitae for this missense variant, however the output from this modeling did not meet the statistical confidence thresholds required to predict the impact of this variant on MYLK2 protein function. ClinVar contains an entry for this variant (Variation ID: 659386). This variant has not been reported in the literature in individuals affected with MYLK2-related conditions. This variant is present in population databases (rs767211264, gnomAD 0.09%), and has an allele count higher than expected for a pathogenic variant. This sequence change replaces glutamic acid, which is acidic and polar, with lysine, which is basic and polar, at codon 304 of the MYLK2 protein (p.Glu304Lys).

GeneDx
Classification: Uncertain significance. Last evaluated: 2020-12-08. Review status: criteria provided, single submitter. Criteria: GeneDx Variant Classification Process June 2021. Collection method: clinical testing. Allele origin: germline. Affected: yes.
Comment: Has not been previously published as pathogenic or benign to our knowledge; Reported in ClinVar but additional evidence is not available (ClinVar Variant ID #659386; Landrum et al., 2016); In silico analysis, which includes protein predictors and evolutionary conservation, supports a deleterious effect

NM_033118.4(MYLK2):c.910G>A (p.Glu304Lys)

Gene: MYLK2 (myosin light chain kinase 2; plus strand). Cytogenetic location: 20q11.21.
Variant type: single nucleotide variant.
Coding change: c.910G>A on transcript NM_033118.4 (MANE Select); coding-DNA position 910, G replaced by A.
Protein change: p.Glu304Lys; replaces glutamic acid 304 with lysine.
Molecular consequence: missense variant.
Genome position (GRCh38, 1-based): chr20:31,824,290, G>A. VCF-style: chr20-31824290-G-A. GRCh37 (hg19) VCF-style: chr20-30412093-G-A.
Other names: short protein forms E304K.
Identifiers: ClinVar variation 659386 (VCV000659386.10), dbSNP rs767211264, ClinGen allele CA9803047.
Genomic context (GRCh38, chr20:31,824,290, plus strand): 5'-CCCTCACTTACAGCCTCTTCTCTTTCCAGTGGCAAGTTTGGGGCAGTCTGTACCTGCATG[G>A]AGAAAGCCACAGGCCTCAAGCTGGCAGCCAAGGTCATCAAGAAACAGACTCCCAAAGACA-3'
Protein context (NP_149109.1, residues 294-314): GKFGAVCTCM[Glu304Lys]KATGLKLAAK